The following is an entry in ClinVar:

ClinVar aggregate classification (germline): Uncertain significance. Review status: criteria provided, multiple submitters, no conflicts (2 of 4 stars). 2 submissions from 2 submitters: Uncertain significance (2). Last evaluated 2025-10-02.

Conditions:
CHARGE syndrome (CHARGE). Also called: Hittner Hirsch Kreh syndrome; CHARGE ASSOCIATION--COLOBOMA, HEART ANOMALY, CHOANAL ATRESIA, RETARDATION, GENITAL AND EAR ANOMALIES; Coloboma, heart anomaly, choanal atresia, retardation, genital and ear anomalies; CHARGE association; Hall-Hittner syndrome. Identifiers: Orphanet 138, MedGen C0265354, MONDO:0008965.

Allele frequency attached by ClinVar (database versions not stated): gnomAD exomes below 0.00001; TOPMed 0.00001.
gnomAD v4.1: 2 of 1,607,938 alleles (0.00012%); highest among the groups gnomAD compares: Non-Finnish European, 0.000085%; no homozygotes.

Submissions (2):

Ambry Genetics
Classification: Uncertain significance. Last evaluated: 2025-10-02. Review status: criteria provided, single submitter. Criteria: Ambry Variant Classification Scheme 2023. Collection method: clinical testing. Allele origin: germline.

Labcorp Genetics (formerly Invitae), Labcorp
Classification: Uncertain significance for CHARGE syndrome. Last evaluated: 2023-10-13. Review status: criteria provided, single submitter. Criteria: Invitae Variant Classification Sherloc (09022015). Collection method: clinical testing. Allele origin: germline.
Comment: This sequence change replaces glutamine, which is neutral and polar, with glutamic acid, which is acidic and polar, at codon 469 of the SEMA3E protein (p.Gln469Glu). This variant is not present in population databases (gnomAD no frequency). This variant has not been reported in the literature in individuals affected with SEMA3E-related conditions. An algorithm developed to predict the effect of missense changes on protein structure and function (PolyPhen-2) suggests that this variant is likely to be disruptive. In summary, the available evidence is currently insufficient to determine the role of this variant in disease. Therefore, it has been classified as a Variant of Uncertain Significance.

NM_012431.3(SEMA3E):c.1405C>G (p.Gln469Glu)

Gene: SEMA3E (semaphorin 3E; minus strand). Cytogenetic location: 7q21.11.
Variant type: single nucleotide variant.
Coding change: c.1405C>G on transcript NM_012431.3 (MANE Select); coding-DNA position 1405, C replaced by G.
Protein change: p.Gln469Glu; replaces glutamine 469 with glutamic acid.
Molecular consequence: missense variant.
Genome position (GRCh38, 1-based): chr7:83,396,691, G>C on the plus strand (C>G on the coding strand, the complement: SEMA3E is on the minus strand). VCF-style: chr7-83396691-G-C. GRCh37 (hg19) VCF-style: chr7-83026007-G-C.
Other names: c.1225C>G, p.Gln409Glu (NM_001178129.2); c.1405C>G (NM_012431.2); short protein forms Q469E, Q409E.
Identifiers: ClinVar variation 2809467 (VCV002809467.4), dbSNP rs1307676175, ClinGen allele CA367925328.
Genomic context (GRCh38, chr7:83,396,691, plus strand): 5'-TAAATACCTTGAATATCTGAAGTTCTTCTAGAATTACTTCTTCCATTGATTCCATTTCTT[G>C]GTTGTAAATTGTGATTACTTTCAGCACAATTCCATTATCTGTAAGAAAACAAAACAAGAA-3'
Protein context (NP_036563.1, residues 459-479): IVLKVITIYN[Gln469Glu]EMESMEEVIL